The following is an entry in ClinVar:

ClinVar aggregate classification (germline): Likely benign. Review status: criteria provided, single submitter (1 of 4 stars). 2 submissions from 2 submitters: Likely benign (1). 1 of the submissions does not count toward it. Last evaluated 2025-12-31.

Conditions:
SMARCA2-related disorder. Also called: SMARCA2-related condition.

Submissions (2):

Labcorp Genetics (formerly Invitae), Labcorp
Classification: Likely benign. Last evaluated: 2025-12-31. Review status: criteria provided, single submitter. Criteria: Invitae Variant Classification Sherloc (09022015). Collection method: clinical testing. Allele origin: germline.

PreventionGenetics, part of Exact Sciences
Classification: Likely benign for SMARCA2-related condition. Last evaluated: 2024-09-26. Review status: no assertion criteria provided. Collection method: clinical testing. Allele origin: germline. Not counted in ClinVar's aggregate classification.
Comment: This variant is classified as likely benign based on ACMG/AMP sequence variant interpretation guidelines (Richards et al. 2015 PMID: 25741868, with internal and published modifications).

NM_003070.5(SMARCA2):c.4092T>G (p.Ala1364=)

Gene: SMARCA2 (SWI/SNF related BAF chromatin remodeling complex subunit ATPase 2; plus strand). Cytogenetic location: 9p24.3.
Variant type: single nucleotide variant.
Coding change: c.4092T>G on transcript NM_003070.5 (MANE Select); coding-DNA position 4092, T replaced by G.
Protein change: p.Ala1364=; no amino-acid change (alanine 1364 retained).
Molecular consequence: synonymous variant.
Genome position (GRCh38, 1-based): chr9:2,161,796, T>G. VCF-style: chr9-2161796-T-G. GRCh37 (hg19) VCF-style: chr9-2161796-T-G.
Other names: c.4092T>G, p.Ala1364= (NM_001289396.2, NM_139045.4); c.3918T>G, p.Ala1306= (NM_001289397.2); c.120T>G, p.Ala40= (NM_001289398.2); c.204T>G, p.Ala68= (NM_001289399.2); c.210T>G, p.Ala70= (NM_001289400.2).
Identifiers: ClinVar variation 3348073 (VCV003348073.2).